The following is an entry in ClinVar:

ClinVar aggregate classification (germline): Uncertain significance (1 of 4 stars; one submission).

Conditions:
Neurofibromatosis, type 1 (NF1). Also called: VON RECKLINGHAUSEN DISEASE; NEUROFIBROMATOSIS, TYPE I, SOMATIC; Neurofibromatosis, type I; Peripheral type neurofibromatosis. Identifiers: Orphanet 636, MedGen C0027831, MONDO:0018975, OMIM 162200. Disease mechanism: loss of function.

Submission:

Labcorp Genetics (formerly Invitae), Labcorp
Classification: Uncertain significance for Neurofibromatosis, type 1. Last evaluated: 2022-10-12. Review status: criteria provided, single submitter. Criteria: Invitae Variant Classification Sherloc (09022015). Collection method: clinical testing. Allele origin: germline.
Comment: In summary, the available evidence is currently insufficient to determine the role of this variant in disease. Therefore, it has been classified as a Variant of Uncertain Significance. Studies have shown that this variant results in activation of a cryptic splice site and introduces a premature termination codon (Invitae). The resulting mRNA is expected to undergo nonsense-mediated decay. This variant has not been reported in the literature in individuals affected with NF1-related conditions. This variant is not present in population databases (gnomAD no frequency). This sequence change falls in intron 5 of the NF1 gene. It does not directly change the encoded amino acid sequence of the NF1 protein. RNA analysis indicates that this variant induces altered splicing and may result in an absent or disrupted protein product.

NM_001042492.3(NF1):c.586+664A>G

Gene: NF1 (neurofibromin 1; plus strand). Cytogenetic location: 17q11.2.
Variant type: single nucleotide variant.
Coding change: c.586+664A>G on transcript NM_001042492.3 (MANE Select); 664 bases into the intron after coding-DNA position 586, A replaced by G.
Molecular consequence: intron variant.
Genome position (GRCh38, 1-based): chr17:31,170,661, A>G. VCF-style: chr17-31170661-A-G. GRCh37 (hg19) VCF-style: chr17-29497679-A-G.
Other names: c.586+664A>G (NM_000267.4, NM_001128147.3).
Identifiers: ClinVar variation 2035249 (VCV002035249.4), dbSNP rs2544721782, ClinGen allele CA2580093042.
Genomic context (GRCh38, chr17:31,170,661, plus strand): 5'-AGCTTGGGAAGTACTTTACATGATTATGTGGATTGAAATAAACGATCAGAAGGAATTGAG[A>G]TATGTTCTGTAGTAAGCAGTGATGTGTTAATGTAAATCAGATACCAATGAGTATTCATAA-3'